The following is an entry in ClinVar:

NM_000719.7(CACNA1C):c.5246T>C (p.Val1749Ala)

Genes: CACNA1C (calcium voltage-gated channel subunit alpha1 C; plus strand), CACNA1C-AS1 (CACNA1C antisense RNA 1; minus strand). Cytogenetic location: 12p13.33.
Variant type: single nucleotide variant.
Coding change: c.5246T>C on transcript NM_000719.7 (MANE Select); coding-DNA position 5246, T replaced by C.
Protein change: p.Val1749Ala; replaces valine 1749 with alanine.
Molecular consequence: missense variant.
Genome position (GRCh38, 1-based): chr12:2,679,598, T>C. VCF-style: chr12-2679598-T-C. GRCh37 (hg19) VCF-style: chr12-2788764-T-C.
Other names: c.5297T>C, p.Val1766Ala (NM_001129836.2); c.5270T>C, p.Val1757Ala (NM_001129837.2, NM_001129838.2); c.5264T>C, p.Val1755Ala (NM_001129839.2); c.5246T>C, p.Val1749Ala (NM_001129840.2, NM_001129841.2, NM_001129842.2 and 4 more transcripts); c.5237T>C, p.Val1746Ala (NM_001129844.2); c.5213T>C, p.Val1738Ala (NM_001129846.2, NM_001167625.2); c.5390T>C, p.Val1797Ala (NM_199460.4, NM_001129827.2); c.5369T>C, p.Val1790Ala (NM_001129829.2); and 3 more; short protein forms V1738A, V1746A, V1749A, V1755A, V1757A, V1766A, V1768A, V1769A.
Identifiers: ClinVar variation 2633908 (VCV002633908.1), dbSNP rs2532529343, ClinGen allele CA383378809.

ClinVar aggregate classification (germline): Uncertain significance (1 of 4 stars; one submission).

Conditions:
CACNA1C-related disorder. Also called: CACNA1C-related condition; CACNA1C-related disorders. Identifiers: MedGen CN381092, MONDO:0700321.

Submission:

PreventionGenetics, part of Exact Sciences
Classification: Uncertain significance for CACNA1C-related condition. Last evaluated: 2023-03-16. Review status: criteria provided, single submitter. Criteria: ACMG Guidelines, 2015. Collection method: clinical testing. Allele origin: germline.
Comment: The CACNA1C c.5246T>C variant is predicted to result in the amino acid substitution p.Val1749Ala. To our knowledge, this variant has not been reported in the literature or in a large population database, indicating this variant is rare. At this time, the clinical significance of this variant is uncertain due to the absence of conclusive functional and genetic evidence.